The following is an entry in ClinVar:

ClinVar aggregate classification (germline): Uncertain significance (1 of 4 stars; one submission).

Conditions:
Alstrom syndrome (ALMS). Identifiers: Orphanet 64, MedGen C0268425, MONDO:0008763, OMIM 203800.

Allele frequency attached by ClinVar (database versions not stated): TOPMed 0.00001.
gnomAD v4.1: 1 of 1,614,238 alleles (0.000062%); highest among the groups gnomAD compares: Non-Finnish European, 0.000085%; no homozygotes.

Submission:

Labcorp Genetics (formerly Invitae), Labcorp
Classification: Uncertain significance for Alstrom syndrome. Last evaluated: 2024-10-15. Review status: criteria provided, single submitter. Criteria: Invitae Variant Classification Sherloc (09022015). Collection method: clinical testing. Allele origin: germline.
Comment: This sequence change replaces glutamic acid, which is acidic and polar, with glutamine, which is neutral and polar, at codon 2683 of the ALMS1 protein (p.Glu2683Gln). This variant is not present in population databases (gnomAD no frequency). This variant has not been reported in the literature in individuals affected with ALMS1-related conditions. ClinVar contains an entry for this variant (Variation ID: 2416970). Experimental studies and prediction algorithms are not available or were not evaluated, and the functional significance of this variant is currently unknown. In summary, the available evidence is currently insufficient to determine the role of this variant in disease. Therefore, it has been classified as a Variant of Uncertain Significance.

NM_001378454.1(ALMS1):c.8044G>C (p.Glu2682Gln)

Gene: ALMS1 (ALMS1 centrosome and basal body associated protein; plus strand). Cytogenetic location: 2p13.1.
Variant type: single nucleotide variant.
Coding change: c.8044G>C on transcript NM_001378454.1 (MANE Select); coding-DNA position 8044, G replaced by C.
Protein change: p.Glu2682Gln; replaces glutamic acid 2682 with glutamine.
Molecular consequence: missense variant.
Genome position (GRCh38, 1-based): chr2:73,490,003, G>C. VCF-style: chr2-73490003-G-C. GRCh37 (hg19) VCF-style: chr2-73717130-G-C.
Other names: c.8047G>C, p.Glu2683Gln (NM_015120.4); short protein forms E2682Q, E2683Q.
Identifiers: ClinVar variation 2416970 (VCV002416970.5), dbSNP rs779187578, ClinGen allele CA50377918.